The following is an entry in ClinVar:

NM_173076.3(ABCA12):c.6234-1G>C

Genes: SNHG31 (small nucleolar RNA host gene 31; plus strand), ABCA12 (ATP binding cassette subfamily A member 12; minus strand). Cytogenetic location: 2q35.
Variant type: single nucleotide variant.
Coding change: c.6234-1G>C on transcript NM_173076.3 (MANE Select); the canonical splice acceptor site of the intron before coding-DNA position 6234, G replaced by C.
Molecular consequence: splice acceptor variant.
Genome position (GRCh38, 1-based): chr2:214,955,362, C>G on the plus strand (G>C on the coding strand, the complement: ABCA12 is on the minus strand). VCF-style: chr2-214955362-C-G. GRCh37 (hg19) VCF-style: chr2-215820086-C-G.
Other names: c.5280-1G>C (NM_015657.4).
Identifiers: ClinVar variation 488389 (VCV000488389.7), dbSNP rs1553520468, ClinGen allele CA350447622.

ClinVar aggregate classification (germline): Pathogenic. Review status: criteria provided, multiple submitters, no conflicts (2 of 4 stars). 2 submissions from 2 submitters: Pathogenic (2). Last evaluated 2022-06-24.

Conditions:
Autosomal recessive congenital ichthyosis 4B (ARCI4B). Also called: Harlequin Fetus; ICHTHYOSIS CONGENITA, HARLEQUIN FETUS TYPE; Ichthyosis, congenital, autosomal recessive 4B (harlequin); HARLEQUIN ICHTHYOSIS. Identifiers: Orphanet 457, MedGen C0598226, MONDO:0009443, OMIM 242500.

Submissions (2):

Victorian Clinical Genetics Services, Murdoch Childrens Research Institute
Classification: Pathogenic for Autosomal recessive congenital ichthyosis 4B. Last evaluated: 2022-06-24. Review status: criteria provided, single submitter. Criteria: ACMG Guidelines, 2015. Collection method: clinical testing. Allele origin: germline. Inheritance: Autosomal recessive inheritance.
Comment: Based on the classification scheme VCGS_Germline_v1.3.4, this variant is classified as Pathogenic. Following criteria are met: 0102 - Loss of function is a known mechanism of disease in this gene and is associated with congenital ichthyosis 4A (MIM#601277) and congenital harlequin ichthyosis 4B (MIM#242500). (I) 0106 - This gene is associated with autosomal recessive disease. (I) 0210 - Splice site variant proven to affect splicing of the transcript with a known effect on protein sequence. RNA studies using patient EBV-transformed lymphoblasts demonstrated out-of-frame skipping of exon 43 which resulted in a frameshift and subsequent nonsense-mediated decay of the resulting protein (Splicing Diagnostics, Kids Neuroscience Centre). (SP) 0252 - This variant is homozygous. (I) 0301 - Variant is absent from gnomAD (both v2 and v3). (SP) 0701 - Other null variants comparable to the one identified in this case have very strong previous evidence for pathogenicity. There are multiple likely pathogenic or pathogenic NMD-predicted variants that have been previously reported (DECIPHER). (SP) 0807 - This variant has no previous evidence of pathogenicity. However, it should be noted that the proband of this family has been reported by VCGS and our collaborators (ClinVar, PMID: 29543227). (I) 0905 - No published segregation evidence has been identified for this variant. (I) 1102 - Strong phenotype match for this individual. (SP) 1209 - This variant has been shown to be both maternally and paternally inherited (biallelic). (I) Legend: (SP) - Supporting pathogenic, (I) - Information, (SB) - Supporting benign

Kids Neuroscience Centre, Sydney Children's Hospitals Network
Classification: Pathogenic for Autosomal recessive congenital ichthyosis 4B. Review status: criteria provided, single submitter. Criteria: Bournazos AM et al. (Genet Med 2021). Collection method: clinical testing, provider interpretation. Allele origin: inherited, unknown. Inheritance: Autosomal recessive inheritance. Affected: yes and no. Observed: 2 heterozygotes, 1 homozygote.
Comment: The c.6234-1G>C variant induces exon 43 skipping (p.Tyr2079Leufs*2) causing a frameshift, encoding a missense amino acid and a premature termination codon. These transcripts are targeted for nonsense-mediated decay. Mis-spliced ABCA12 transcripts with exon 43 skipping that escape nonsense-mediated decay encode ABCA12 proteins missing 516 amino acids from the C-terminus p.(Tyr2079_Ser2595del), including the entire C-terminal ABC transporter domain.

Literature cited by the submitters: PubMed 29543227 (cited by Victorian Clinical Genetics Services, Murdoch Childrens Research Institute).